The following is an entry in ClinVar:

ClinVar aggregate classification (germline): Uncertain significance (0 of 4 stars; one submission).

Allele frequency attached by ClinVar (database versions not stated): 1000 Genomes Project 0.00020; 1000 Genomes Project 30x 0.00031; TOPMed 0.00038; gnomAD 0.00042 and 0.00046; ESP Exome Variant Server 0.00049.
gnomAD v4.1: 201 of 1,612,896 alleles (0.012%); highest among the groups gnomAD compares: African/African-American, 0.14%; no homozygotes.

Submission:

Department of Pathology and Laboratory Medicine, Sinai Health System
Classification: Uncertain significance. Review status: no assertion criteria provided. Collection method: clinical testing. Allele origin: unknown. Affected: yes. Study: The Canadian Open Genetics Repository (COGR).
Comment: The DOCK3 p.Arg683Gln variant was not identified in the literature nor was it identified in ClinVar or LOVD 3.0. The variant was identified in dbSNP (ID: rs201425737) and was identified in control databases in 36 of 279302 chromosomes at a frequency of 0.000129 (Genome Aggregation Database March 6, 2019, v2.1.1). The variant was observed in the following populations: African in 25 of 24150 chromosomes (freq: 0.001035), East Asian in 5 of 19458 chromosomes (freq: 0.000257), Other in 1 of 7120 chromosomes (freq: 0.00014), Latino in 2 of 35044 chromosomes (freq: 0.000057) and European (non-Finnish) in 3 of 128014 chromosomes (freq: 0.000023), but was not observed in the Ashkenazi Jewish, European (Finnish), or South Asian populations. The p.Arg683 residue is conserved in mammals and computational analyses (PolyPhen-2, SIFT, AlignGVGD, BLOSUM, MutationTaster) provide inconsistent predictions regarding the impact to the protein; this information is not very predictive of pathogenicity. The variant occurs outside of the splicing consensus sequence and in silico or computational prediction software programs (SpliceSiteFinder, MaxEntScan, NNSPLICE, GeneSplicer) do not predict a difference in splicing. In summary, based on the above information the clinical significance of this variant cannot be determined with certainty at this time. This variant is classified as a variant of uncertain significance.

NM_004947.5(DOCK3):c.2048G>A (p.Arg683Gln)

Gene: DOCK3 (dedicator of cytokinesis 3; plus strand). Cytogenetic location: 3p21.2.
Variant type: single nucleotide variant.
Coding change: c.2048G>A on transcript NM_004947.5 (MANE Select); coding-DNA position 2048, G replaced by A.
Protein change: p.Arg683Gln; replaces arginine 683 with glutamine.
Molecular consequence: missense variant.
Genome position (GRCh38, 1-based): chr3:51,237,536, G>A. VCF-style: chr3-51237536-G-A. GRCh37 (hg19) VCF-style: chr3-51274967-G-A.
Other names: short protein forms R683Q.
Identifiers: ClinVar variation 1049507 (VCV001049507.1), dbSNP rs201425737, ClinGen allele CA2421092.